The following is an entry in ClinVar:

ClinVar aggregate classification (germline): Likely benign (0 of 4 stars; one submission).

Conditions:
YTHDC2-related disorder. Also called: YTHDC2-related condition.

Allele frequency attached by ClinVar (database versions not stated): TOPMed 0.00011; ESP Exome Variant Server 0.00015; gnomAD 0.00018; gnomAD exomes 0.00025; 1000 Genomes Project 30x 0.00031; 1000 Genomes Project 0.00040; ExAC 0.00056.
gnomAD v4.1: 388 of 1,597,158 alleles (0.024%); highest among the groups gnomAD compares: South Asian, 0.27%; 3 homozygotes.

Submission:

PreventionGenetics, part of Exact Sciences
Classification: Likely benign for YTHDC2-related condition. Last evaluated: 2023-07-29. Review status: no assertion criteria provided. Collection method: clinical testing. Allele origin: germline.
Comment: This variant is classified as likely benign based on ACMG/AMP sequence variant interpretation guidelines (Richards et al. 2015 PMID: 25741868, with internal and published modifications).

NM_022828.5(YTHDC2):c.3061A>G (p.Asn1021Asp)

Gene: YTHDC2 (YTH N6-methyladenosine RNA binding protein C2; plus strand). Cytogenetic location: 5q22.2.
Variant type: single nucleotide variant.
Coding change: c.3061A>G on transcript NM_022828.5 (MANE Select); coding-DNA position 3061, A replaced by G.
Protein change: p.Asn1021Asp; replaces asparagine 1021 with aspartic acid.
Molecular consequence: missense variant.
Genome position (GRCh38, 1-based): chr5:113,567,666, A>G. VCF-style: chr5-113567666-A-G. GRCh37 (hg19) VCF-style: chr5-112903363-A-G.
Other names: c.2575A>G, p.Asn859Asp (NM_001345975.2); c.2161A>G, p.Asn721Asp (NM_001345976.2); short protein forms N1021D, N721D, N859D.
Identifiers: ClinVar variation 3048515 (VCV003048515.2), dbSNP rs376412303, ClinGen allele CA3372339.